The following is an entry in ClinVar:

ClinVar aggregate classification (germline): Uncertain significance (1 of 4 stars; one submission).

Allele frequency attached by ClinVar (database versions not stated): gnomAD exomes 0.00001.
gnomAD v4.1: 9 of 1,613,994 alleles (0.00056%); highest among the groups gnomAD compares: Non-Finnish European, 0.00076%; no homozygotes.

Submission:

Labcorp Genetics (formerly Invitae), Labcorp
Classification: Uncertain significance. Last evaluated: 2025-03-17. Review status: criteria provided, single submitter. Criteria: Invitae Variant Classification Sherloc (09022015). Collection method: clinical testing. Allele origin: germline.
Comment: This sequence change replaces methionine, which is neutral and non-polar, with isoleucine, which is neutral and non-polar, at codon 900 of the TRIM37 protein (p.Met900Ile). This variant is not present in population databases (gnomAD no frequency). This variant has not been reported in the literature in individuals affected with TRIM37-related conditions. ClinVar contains an entry for this variant (Variation ID: 1415159). Invitae Evidence Modeling of protein sequence and biophysical properties (such as structural, functional, and spatial information, amino acid conservation, physicochemical variation, residue mobility, and thermodynamic stability) indicates that this missense variant is not expected to disrupt TRIM37 protein function with a negative predictive value of 80%. In summary, the available evidence is currently insufficient to determine the role of this variant in disease. Therefore, it has been classified as a Variant of Uncertain Significance.

NM_015294.6(TRIM37):c.2700G>A (p.Met900Ile)

Genes: TRIM37 (tripartite motif containing 37; minus strand), LOC126862606 (CDK7 strongly-dependent group 2 enhancer GRCh37_chr17:57078614-57079813; plus strand). Cytogenetic location: 17q22.
Variant type: single nucleotide variant.
Coding change: c.2700G>A on transcript NM_015294.6 (MANE Select); coding-DNA position 2700, G replaced by A.
Protein change: p.Met900Ile; replaces methionine 900 with isoleucine.
Molecular consequence: missense variant. On other transcripts: non-coding transcript variant (2), intron variant (3).
Genome position (GRCh38, 1-based): chr17:59,001,710, C>T on the plus strand (G>A on the coding strand, the complement: TRIM37 is on the minus strand). VCF-style: chr17-59001710-C-T. GRCh37 (hg19) VCF-style: chr17-57079071-C-T.
Other names: c.2700G>A, p.Met900Ile (NM_001005207.5); c.2598G>A, p.Met866Ile (NM_001320987.3); c.2625G>A, p.Met875Ile (NM_001353082.2); c.1965G>A, p.Met655Ile (NM_001353083.2); c.2727G>A, p.Met909Ile (NM_001353084.2); c.2238G>A, p.Met746Ile (NM_001353085.2); c.2649G>A, p.Met883Ile (NM_001353086.2); c.2696-2251G>A (NM_001320989.3, NM_001320988.3); and 1 more; short protein forms M655I, M746I, M875I, M883I, M909I, M866I, M900I.
Identifiers: ClinVar variation 1415159 (VCV001415159.6), dbSNP rs765203274, ClinGen allele CA292655658.